The following is an entry in ClinVar:

NM_000687.4(AHCY):c.61G>A (p.Ala21Thr)

Gene: AHCY (adenosylhomocysteinase; minus strand). Cytogenetic location: 20q11.22.
Variant type: single nucleotide variant.
Coding change: c.61G>A on transcript NM_000687.4 (MANE Select); coding-DNA position 61, G replaced by A.
Protein change: p.Ala21Thr; replaces alanine 21 with threonine.
Molecular consequence: missense variant. On other transcripts: 5 prime UTR variant (3).
Genome position (GRCh38, 1-based): chr20:34,295,553, C>T on the plus strand (G>A on the coding strand, the complement: AHCY is on the minus strand). VCF-style: chr20-34295553-C-T. GRCh37 (hg19) VCF-style: chr20-32883359-C-T.
Other names: c.-24G>A (NM_001161766.2, NM_001322084.2, NM_001322085.2); c.67G>A, p.Ala23Thr (NM_001322086.2); c.61G>A, p.Ala21Thr (NM_001362750.2); short protein forms A21T, A23T.
Identifiers: ClinVar variation 338280 (VCV000338280.8), dbSNP rs754753419, ClinGen allele CA9821146.
Genomic context (GRCh38, chr20:34,295,553, plus strand): 5'-CCGAGTACCGCTCCCGCATACGCATCAGGCCCGGCATCTCGTTCTCAGCAATGTCCAGGG[C>T]CTTGCGTCCCCAGGCAGCCAGGCCGATGTCGGCTACGGGAGGAAACAGGTGGGAGTTCCG-3'
Protein context (NP_000678.1, residues 11-31): DIGLAAWGRK[Ala21Thr]LDIAENEMPG

ClinVar aggregate classification (germline): Uncertain significance. Review status: criteria provided, multiple submitters, no conflicts (2 of 4 stars). 3 submissions from 3 submitters: Uncertain significance (3). Last evaluated 2022-06-26.

Conditions:
Hypermethioninemia with deficiency of S-adenosylhomocysteine hydrolase. Identifiers: Orphanet 88618, MedGen C3151058, MONDO:0013404, OMIM 613752.

Allele frequency attached by ClinVar (database versions not stated): gnomAD 0.00001; TOPMed 0.00003; gnomAD exomes 0.00004 and 0.00007; ExAC 0.00008.
gnomAD v4.1: 54 of 1,614,008 alleles (0.0033%); highest among the groups gnomAD compares: Admixed American, 0.033%; no homozygotes.

Submissions (3):

Labcorp Genetics (formerly Invitae), Labcorp
Classification: Uncertain significance for Hypermethioninemia with deficiency of S-adenosylhomocysteine hydrolase. Last evaluated: 2022-06-26. Review status: criteria provided, single submitter. Criteria: Invitae Variant Classification Sherloc (09022015). Collection method: clinical testing. Allele origin: germline.
Comment: This sequence change replaces alanine, which is neutral and non-polar, with threonine, which is neutral and polar, at codon 21 of the AHCY protein (p.Ala21Thr). This variant is present in population databases (rs754753419, gnomAD 0.05%). This variant has not been reported in the literature in individuals affected with AHCY-related conditions. ClinVar contains an entry for this variant (Variation ID: 338280). Algorithms developed to predict the effect of missense changes on protein structure and function are either unavailable or do not agree on the potential impact of this missense change (SIFT: "Not Available"; PolyPhen-2: "Possibly Damaging"; Align-GVGD: "Not Available"). In summary, the available evidence is currently insufficient to determine the role of this variant in disease. Therefore, it has been classified as a Variant of Uncertain Significance.

Illumina Laboratory Services, Illumina
Classification: Uncertain significance for Hypermethioninemia with deficiency of S-adenosylhomocysteine hydrolase. Last evaluated: 2018-01-13. Review status: criteria provided, single submitter. Criteria: ICSL Variant Classification Criteria 13 December 2019. Collection method: clinical testing. Allele origin: germline.

Breakthrough Genomics
Classification: Uncertain significance. Review status: criteria provided, single submitter. Criteria: ACMG Guidelines, 2015. Collection method: not provided. Allele origin: germline. Inheritance: Autosomal dominant inheritance. Affected: yes.